The following is an entry in ClinVar:

NM_000334.4(SCN4A):c.5401G>A (p.Ala1801Thr)

Genes: GH-LCR (growth hormone locus control region; plus strand), SCN4A (sodium voltage-gated channel alpha subunit 4; minus strand). Cytogenetic location: 17q23.3.
Variant type: single nucleotide variant.
Coding change: c.5401G>A on transcript NM_000334.4 (MANE Select); coding-DNA position 5401, G replaced by A.
Protein change: p.Ala1801Thr; replaces alanine 1801 with threonine.
Molecular consequence: missense variant.
Genome position (GRCh38, 1-based): chr17:63,940,881, C>T on the plus strand (G>A on the coding strand, the complement: SCN4A is on the minus strand). VCF-style: chr17-63940881-C-T. GRCh37 (hg19) VCF-style: chr17-62018241-C-T.
Other names: short protein forms A1801T.
Identifiers: ClinVar variation 646984 (VCV000646984.25), dbSNP rs201192904, ClinGen allele CA8708764.
Genomic context (GRCh38, chr17:63,940,881, plus strand): 5'-GGGCGGGAGGCCAGGCAGTGTCTGAGGGGCTGATGGGCATCAGCCCCATAGTGGGTCCGG[C>T]GTCCCCTGCCTCGCCCTTCTCCTCCGGGCTTGGCGAGCTGCTGTTCCCATTCTCGTGGCC-3'
Protein context (NP_000325.4, residues 1791-1811): SPEEKGEAGD[Ala1801Thr]GPTMGLMPIS

ClinVar aggregate classification (germline): Conflicting classifications of pathogenicity. Review status: criteria provided, conflicting classifications (1 of 4 stars). 9 submissions from 5 submitters: Uncertain significance (5); Likely benign (4). Last evaluated 2025-10-07.

Conditions:
Potassium-aggravated myotonia. Also called: MYOTONIA CONGENITA, ACETAZOLAMIDE-RESPONSIVE; MYOTONIA CONGENITA, ATYPICAL; SODIUM CHANNEL MUSCLE DISEASE; Myotonia congenita, atypical, acetazolamide-responsive. Identifiers: Orphanet 612, Orphanet 99734, Orphanet 99735, Orphanet 99736, MedGen C2931826, MONDO:0018959, OMIM 608390.
Hypokalemic periodic paralysis, type 2 (HOKPP2). Identifiers: Orphanet 681, MedGen C2750061, MONDO:0013234, OMIM 613345.
Paramyotonia congenita of Von Eulenburg. Also called: PARALYSIS PERIODICA PARAMYOTONICA; Paramyotonia Congenita; Eulenburg disease; Myotonia congenita intermittens; Von Eulenburg paramyotonia congenita. Identifiers: Orphanet 684, MedGen C0221055, MONDO:0008195, OMIM 168300. Disease mechanism: loss of function.
Hyperkalemic periodic paralysis. Also called: Familial hyperkalemic periodic paralysis; Gamstorp disease. Identifiers: Orphanet 682, MedGen C0238357, MONDO:0008224, OMIM 170500, HP:0007215.
Congenital myasthenic syndrome 16. Identifiers: Orphanet 590, MedGen C3280112, MONDO:0013620, OMIM 614198.
Congenital myopathy 22A, classic (CMYO22A). Identifiers: MedGen C5830453, MONDO:0957247, OMIM 620351.
Congenital myopathy 22B, severe fetal (CMYO22B). Identifiers: MedGen C5830501, MONDO:0957265, OMIM 620369.

Allele frequency attached by ClinVar (database versions not stated): gnomAD 0.00010; TOPMed 0.00006.
gnomAD v4.1: 170 of 1,613,638 alleles (0.011%); highest among the groups gnomAD compares: Non-Finnish European, 0.013%; no homozygotes.

Submissions (9):

Labcorp Genetics (formerly Invitae), Labcorp
Classification: Uncertain significance for Hyperkalemic periodic paralysis. Last evaluated: 2025-10-07. Review status: criteria provided, single submitter. Criteria: Invitae Variant Classification Sherloc (09022015). Collection method: clinical testing. Allele origin: germline.
Comment: This sequence change replaces alanine, which is neutral and non-polar, with threonine, which is neutral and polar, at codon 1801 of the SCN4A protein (p.Ala1801Thr). This variant is present in population databases (rs201192904, gnomAD 0.01%). This missense change has been observed in individual(s) with Brugada syndrome (PMID: 26220970). ClinVar contains an entry for this variant (Variation ID: 646984). Invitae Evidence Modeling of protein sequence and biophysical properties (such as structural, functional, and spatial information, amino acid conservation, physicochemical variation, residue mobility, and thermodynamic stability) indicates that this missense variant is not expected to disrupt SCN4A protein function with a negative predictive value of 95%. In summary, the available evidence is currently insufficient to determine the role of this variant in disease. Therefore, it has been classified as a Variant of Uncertain Significance.

Fulgent Genetics
Classification: Uncertain significance for Paramyotonia congenita of Von Eulenburg; Hyperkalemic periodic paralysis; Potassium-aggravated myotonia; Hypokalemic periodic paralysis, type 2; Congenital myasthenic syndrome 16; Congenital myopathy 22A, classic; Congenital myopathy 22B, severe fetal. Last evaluated: 2024-05-22. Review status: criteria provided, single submitter. Criteria: ACMG Guidelines, 2015. Collection method: clinical testing. Allele origin: germline.

Revvity Omics, Revvity
Classification: Uncertain significance. Last evaluated: 2022-03-24. Review status: criteria provided, single submitter. Criteria: ACMG Guidelines, 2015. Collection method: clinical testing. Allele origin: germline.

GeneDx
Classification: Uncertain significance. Last evaluated: 2021-07-28. Review status: criteria provided, single submitter. Criteria: GeneDx Variant Classification Process June 2021. Collection method: clinical testing. Allele origin: germline. Affected: yes.
Comment: Reported previously in an individual with Brugada syndrome; however, additional clinical and segregation information was not provided (Di Resta et al., 2015); In silico analysis supports that this missense variant does not alter protein structure/function; This variant is associated with the following publications: (PMID: 26220970)

Illumina Laboratory Services, Illumina
Classification: Likely benign for Hypokalemic periodic paralysis, type 2. Last evaluated: 2018-01-12. Review status: criteria provided, single submitter. Criteria: ICSL Variant Classification Criteria 13 December 2019. Collection method: clinical testing. Allele origin: germline.
Comment: This variant was observed in the ICSL laboratory as part of a predisposition screen in an ostensibly healthy population. It had not been previously curated by ICSL or reported in the Human Gene Mutation Database (HGMD: prior to June 1st, 2018), and was therefore a candidate for classification through an automated scoring system. Utilizing variant allele frequency, disease prevalence and penetrance estimates, and inheritance mode, an automated score was calculated to assess if this variant is too frequent to cause the disease. Based on the score and internal cut-off values, a variant classified as likely benign is not then subjected to further curation. The score for this variant resulted in a classification of likely benign for this disease.

Illumina Laboratory Services, Illumina
Classification: Uncertain significance for Congenital myasthenic syndrome 16. Last evaluated: 2018-01-12. Review status: criteria provided, single submitter. Criteria: ICSL Variant Classification Criteria 13 December 2019. Collection method: clinical testing. Allele origin: germline.

Illumina Laboratory Services, Illumina
Classification: Likely benign for Paramyotonia congenita of Von Eulenburg. Last evaluated: 2018-01-12. Review status: criteria provided, single submitter. Criteria: ICSL Variant Classification Criteria 13 December 2019. Collection method: clinical testing. Allele origin: germline.
Comment: the same text as in the submission from Illumina Laboratory Services, Illumina above.

Illumina Laboratory Services, Illumina
Classification: Likely benign for Potassium-aggravated myotonia. Last evaluated: 2018-01-12. Review status: criteria provided, single submitter. Criteria: ICSL Variant Classification Criteria 13 December 2019. Collection method: clinical testing. Allele origin: germline.
Comment: the same text as in the submission from Illumina Laboratory Services, Illumina above.

Illumina Laboratory Services, Illumina
Classification: Likely benign for Hyperkalemic periodic paralysis. Last evaluated: 2018-01-12. Review status: criteria provided, single submitter. Criteria: ICSL Variant Classification Criteria 13 December 2019. Collection method: clinical testing. Allele origin: germline.
Comment: the same text as in the submission from Illumina Laboratory Services, Illumina above.

Literature cited by the submitters: PubMed 26220970 (cited by Labcorp Genetics (formerly Invitae), Labcorp).